The following is an entry in ClinVar:

ClinVar aggregate classification (germline): Uncertain significance. Review status: criteria provided, multiple submitters, no conflicts (2 of 4 stars). 2 submissions from 2 submitters: Uncertain significance (2). Last evaluated 2025-10-24.

Conditions:
Autosomal recessive limb-girdle muscular dystrophy type 2F (LGMDR6). Also called: Muscular dystrophy limb-girdle with delta-sarcoglyan deficiency; MUSCULAR DYSTROPHY, LIMB-GIRDLE, AUTOSOMAL RECESSIVE 6. Identifiers: Orphanet 219, MedGen C1832525, MONDO:0011028, OMIM 601287. Disease mechanism: Affects gamma-sarcoglycan and also disrupts the integrity of the entire sarcoglycan complex..
Inborn genetic diseases. Identifiers: MedGen C0950123, MeSH D030342.

Submissions (2):

Ambry Genetics
Classification: Uncertain significance for Inborn genetic diseases. Last evaluated: 2025-10-24. Review status: criteria provided, single submitter. Criteria: Ambry Variant Classification Scheme 2023. Collection method: clinical testing. Allele origin: germline.

Labcorp Genetics (formerly Invitae), Labcorp
Classification: Uncertain significance for Autosomal recessive limb-girdle muscular dystrophy type 2F. Last evaluated: 2025-05-15. Review status: criteria provided, single submitter. Criteria: Invitae Variant Classification Sherloc (09022015). Collection method: clinical testing. Allele origin: germline.
Comment: This sequence change replaces threonine, which is neutral and polar, with alanine, which is neutral and non-polar, at codon 172 of the SGCD protein (p.Thr172Ala). This variant is not present in population databases (gnomAD no frequency). This variant has not been reported in the literature in individuals affected with SGCD-related conditions. An algorithm developed to predict the effect of missense changes on protein structure and function (PolyPhen-2) suggests that this variant is likely to be tolerated. In summary, the available evidence is currently insufficient to determine the role of this variant in disease. Therefore, it has been classified as a Variant of Uncertain Significance.

NM_000337.6(SGCD):c.514A>G (p.Thr172Ala)

Gene: SGCD (sarcoglycan delta; plus strand). Cytogenetic location: 5q33.3.
Variant type: single nucleotide variant.
Coding change: c.514A>G on transcript NM_000337.6 (MANE Select); coding-DNA position 514, A replaced by G.
Protein change: p.Thr172Ala; replaces threonine 172 with alanine.
Molecular consequence: missense variant.
Genome position (GRCh38, 1-based): chr5:156,647,475, A>G. VCF-style: chr5-156647475-A-G. GRCh37 (hg19) VCF-style: chr5-156074485-A-G.
Other names: c.511A>G, p.Thr171Ala (NM_001128209.2); c.514A>G, p.Thr172Ala (NM_172244.3); short protein forms T171A, T172A.
Identifiers: ClinVar variation 4630671 (VCV004630671.2).